The following is an entry in ClinVar:

ClinVar aggregate classification (germline): Uncertain significance (1 of 4 stars; one submission).

Conditions:
Oto-palato-digital syndrome, type II (OPD2). Also called: OPD II SYNDROME; FACIOPALATOOSSEOUS SYNDROME; Otopalatodigital Syndrome Type 2 (FLNA-OPD2); Otopalatodigital Syndrome, Type II. Identifiers: Orphanet 669, Orphanet 90652, MedGen C1844696, MONDO:0010571, OMIM 304120.

Submission:

OLLIN Analises Genomicas, OLLIN
Classification: Uncertain significance for Oto-palato-digital syndrome, type II. Last evaluated: 2026-08-06. Review status: criteria provided, single submitter. Criteria: ACMG Guidelines 2015 PMID 25741868. Collection method: clinical testing. Allele origin: germline.
Comment: This missense variant, located in exon 23 (of 48), is absent from gnomAD and ClinVar and has not been identified in the literature. In silico analysis is inconclusive regarding the impact of this variant. This gene is constrained for missense variation. According to the currently available evidence, this variant has been classified as uncertain significance (PM2_P, PP2).

NM_001110556.2(FLNA):c.3896A>C (p.Asn1299Thr)

Gene: FLNA (filamin A; minus strand). Cytogenetic location: Xq28.
Variant type: single nucleotide variant.
Coding change: c.3896A>C on transcript NM_001110556.2 (MANE Select); coding-DNA position 3896, A replaced by C.
Protein change: p.Asn1299Thr; replaces asparagine 1299 with threonine.
Molecular consequence: missense variant.
Genome position (GRCh38, 1-based): chrX:154,359,815, T>G on the plus strand (A>C on the coding strand, the complement: FLNA is on the minus strand). VCF-style: chrX-154359815-T-G. GRCh37 (hg19) VCF-style: chrX-153588183-T-G.
Other names: c.3896A>C, p.Asn1299Thr (NM_001456.4); short protein forms N1299T.
Identifiers: ClinVar variation 5003034 (VCV005003034.1).
Genomic context (GRCh38, chrX:154,359,815, plus strand): 5'-ACTTTGTACATGCCATCGCCACGGTCCTGAACGTAGGTCTCCGTCAGGTTGCCTGAGGGG[T>G]TGGCCACACGGGCCTTGACGTGCGGCCCTCCGGTCTGTGTCAGAGCCCGGGCGTCCACAC-3'
Protein context (NP_001104026.1, residues 1289-1309): GGPHVKARVA[Asn1299Thr]PSGNLTETYV